The following is an entry in ClinVar:

NM_004006.3(DMD):c.2869C>T (p.Gln957Ter)

Gene: DMD (dystrophin; minus strand). Cytogenetic location: Xp21.1.
Variant type: single nucleotide variant.
Coding change: c.2869C>T on transcript NM_004006.3 (MANE Select); coding-DNA position 2869, C replaced by T.
Protein change: p.Gln957Ter; replaces glutamine 957 with a stop codon.
Molecular consequence: nonsense.
Genome position (GRCh38, 1-based): chrX:32,472,244, G>A on the plus strand (C>T on the coding strand, the complement: DMD is on the minus strand). VCF-style: chrX-32472244-G-A. GRCh37 (hg19) VCF-style: chrX-32490361-G-A.
Other names: c.2845C>T, p.Gln949Ter (NM_000109.4); c.2857C>T, p.Gln953Ter (NM_004009.3); c.2500C>T, p.Gln834Ter (NM_004010.3); short protein forms Q953*, Q957*, Q834*, Q949*.
Identifiers: ClinVar variation 643749 (VCV000643749.14), dbSNP rs1603634298, ClinGen allele CA412668107.

ClinVar aggregate classification (germline): Pathogenic. Review status: criteria provided, multiple submitters, no conflicts (2 of 4 stars). 3 submissions from 3 submitters: Pathogenic (3). Last evaluated 2022-12-16.

Conditions:
Duchenne muscular dystrophy (DMD). Also called: MUSCULAR DYSTROPHY, PSEUDOHYPERTROPHIC PROGRESSIVE, DUCHENNE TYPE; Duchenne Muscular Dystrophy (DMD). Identifiers: Orphanet 98896, MedGen C0013264, MONDO:0010679, OMIM 310200.

Submissions (3):

Laboratory of Medical Genetics, National & Kapodistrian University of Athens
Classification: Pathogenic for Duchenne muscular dystrophy. Last evaluated: 2022-12-16. Review status: criteria provided, single submitter. Criteria: ACMG Guidelines, 2015. Collection method: clinical testing. Allele origin: germline. Affected: yes.
Comment: PVS1, PM2, PP5

Labcorp Genetics (formerly Invitae), Labcorp
Classification: Pathogenic for Duchenne muscular dystrophy. Last evaluated: 2022-09-07. Review status: criteria provided, single submitter. Criteria: Invitae Variant Classification Sherloc (09022015). Collection method: clinical testing. Allele origin: germline.
Comment: This sequence change creates a premature translational stop signal (p.Gln957*) in the DMD gene. It is expected to result in an absent or disrupted protein product. Loss-of-function variants in DMD are known to be pathogenic (PMID: 16770791, 25007885). This variant is not present in population databases (gnomAD no frequency). This premature translational stop signal has been observed in individuals with Duchenne muscular dystrophy (PMID: 17259292, 26968818). ClinVar contains an entry for this variant (Variation ID: 643749). For these reasons, this variant has been classified as Pathogenic.

Mendelics
Classification: Pathogenic for Duchenne muscular dystrophy. Last evaluated: 2019-05-28. Review status: criteria provided, single submitter. Criteria: Mendelics Assertion Criteria 2017. Collection method: clinical testing. Allele origin: unknown.

Literature cited by the submitters: PubMed 32358784 (cited by Laboratory of Medical Genetics, National & Kapodistrian University of Athens); PubMed 33101180 (cited by Laboratory of Medical Genetics, National & Kapodistrian University of Athens); PubMed 29973226 (cited by Laboratory of Medical Genetics, National & Kapodistrian University of Athens); PubMed 16770791 (cited by Labcorp Genetics (formerly Invitae), Labcorp); PubMed 25007885 (cited by Labcorp Genetics (formerly Invitae), Labcorp); PubMed 17259292 (cited by Labcorp Genetics (formerly Invitae), Labcorp); PubMed 26968818 (cited by Labcorp Genetics (formerly Invitae), Labcorp).